The following is an entry in ClinVar:

ClinVar aggregate classification (germline): Uncertain significance. Review status: criteria provided, single submitter (1 of 4 stars). 2 submissions from 2 submitters: Uncertain significance (1). 1 of the submissions does not count toward it. Last evaluated 2024-12-03.

Conditions:
ANXA11-related disorder. Also called: ANXA11-related condition.

Allele frequency attached by ClinVar (database versions not stated): gnomAD exomes below 0.00001; ExAC 0.00001; gnomAD 0.00001; TOPMed 0.00002; 1000 Genomes Project 30x 0.00016; 1000 Genomes Project 0.00020.
gnomAD v4.1: 8 of 1,607,542 alleles (0.0005%); highest among the groups gnomAD compares: East Asian, 0.0067%; no homozygotes.

Submissions (2):

Labcorp Genetics (formerly Invitae), Labcorp
Classification: Uncertain significance. Last evaluated: 2024-12-03. Review status: criteria provided, single submitter. Criteria: Invitae Variant Classification Sherloc (09022015). Collection method: clinical testing. Allele origin: germline.
Comment: This sequence change replaces serine, which is neutral and polar, with phenylalanine, which is neutral and non-polar, at codon 256 of the ANXA11 protein (p.Ser256Phe). This variant is present in population databases (rs200360796, gnomAD 0.006%). This missense change has been observed in individual(s) with amyotrophic lateral sclerosis (PMID: 34275688). ClinVar contains an entry for this variant (Variation ID: 2871504). An algorithm developed to predict the effect of missense changes on protein structure and function (PolyPhen-2) suggests that this variant is likely to be disruptive. In summary, the available evidence is currently insufficient to determine the role of this variant in disease. Therefore, it has been classified as a Variant of Uncertain Significance.

PreventionGenetics, part of Exact Sciences
Classification: Uncertain significance for ANXA11-related condition. Last evaluated: 2024-04-05. Review status: no assertion criteria provided. Collection method: clinical testing. Allele origin: germline. Not counted in ClinVar's aggregate classification.
Comment: The ANXA11 c.767C>T variant is predicted to result in the amino acid substitution p.Ser256Phe. To our knowledge, this variant has not been reported in the literature. This variant is reported in 0.0054% of alleles in individuals of East Asian descent in gnomAD. At this time, the clinical significance of this variant is uncertain due to the absence of conclusive functional and genetic evidence.

Literature cited by the submitters: PubMed 34275688 (cited by Labcorp Genetics (formerly Invitae), Labcorp).

NM_145868.2(ANXA11):c.767C>T (p.Ser256Phe)

Gene: ANXA11 (annexin A11; minus strand). Cytogenetic location: 10q22.3.
Variant type: single nucleotide variant.
Coding change: c.767C>T on transcript NM_145868.2 (MANE Select); coding-DNA position 767, C replaced by T.
Protein change: p.Ser256Phe; replaces serine 256 with phenylalanine.
Molecular consequence: missense variant.
Genome position (GRCh38, 1-based): chr10:80,166,175, G>A on the plus strand (C>T on the coding strand, the complement: ANXA11 is on the minus strand). VCF-style: chr10-80166175-G-A. GRCh37 (hg19) VCF-style: chr10-81925931-G-A.
Other names: c.767C>T, p.Ser256Phe (NM_001157.3, NM_001278407.2, NM_001278408.2 and 1 more transcripts); c.668C>T, p.Ser223Phe (NM_001278409.2); c.767C>T (NM_145869.1); short protein forms S256F, S223F.
Identifiers: ClinVar variation 2871504 (VCV002871504.4), dbSNP rs200360796, ClinGen allele CA5576120.